The following is an entry in ClinVar:

ClinVar aggregate classification (germline): Uncertain significance. Review status: criteria provided, multiple submitters, no conflicts (2 of 4 stars). 2 submissions from 2 submitters: Uncertain significance (2). Last evaluated 2026-01-30.

Conditions:
Hereditary cancer-predisposing syndrome. Also called: Hereditary neoplastic syndrome; Tumor predisposition; Neoplastic Syndromes, Hereditary; Hereditary Cancer Syndrome. Identifiers: Orphanet 140162, MedGen C0027672, MeSH D009386, MONDO:0015356.
POLD1-related polyposis and colorectal cancer syndrome (CRCS10). Also called: Colorectal cancer 10; COLORECTAL CANCER, SUSCEPTIBILITY TO, ON CHROMOSOME 19q; Colorectal cancer, susceptibility to, 10. Identifiers: Orphanet 220460, MedGen C2675481, MONDO:0012953, OMIM 612591.

Submissions (2):

Labcorp Genetics (formerly Invitae), Labcorp
Classification: Uncertain significance for POLD1-related polyposis and colorectal cancer syndrome. Last evaluated: 2026-01-30. Review status: criteria provided, single submitter. Criteria: Invitae Variant Classification Sherloc (09022015). Collection method: clinical testing. Allele origin: germline.
Comment: This sequence change replaces arginine, which is basic and polar, with histidine, which is basic and polar, at codon 968 of the POLD1 protein (p.Arg968His). This variant is not present in population databases (gnomAD no frequency). This variant has not been reported in the literature in individuals affected with POLD1-related conditions. ClinVar contains an entry for this variant (Variation ID: 938179). Invitae Evidence Modeling of protein sequence and biophysical properties (such as structural, functional, and spatial information, amino acid conservation, physicochemical variation, residue mobility, and thermodynamic stability) has been performed for this missense variant. However, the output from this modeling did not meet the statistical confidence thresholds required to predict the impact of this variant on POLD1 protein function. In summary, the available evidence is currently insufficient to determine the role of this variant in disease. Therefore, it has been classified as a Variant of Uncertain Significance.

Ambry Genetics
Classification: Uncertain significance for Hereditary cancer-predisposing syndrome. Last evaluated: 2025-03-30. Review status: criteria provided, single submitter. Criteria: Ambry Variant Classification Scheme 2023. Collection method: clinical testing. Allele origin: germline.
Comment: The p.R968H variant (also known as c.2903G>A), located in coding exon 22 of the POLD1 gene, results from a G to A substitution at nucleotide position 2903. The arginine at codon 968 is replaced by histidine, an amino acid with highly similar properties. This amino acid position is conserved. In addition, the in silico prediction for this alteration is inconclusive. Based on the available evidence, the clinical significance of this variant remains unclear.

NM_002691.4(POLD1):c.2903G>A (p.Arg968His)

Gene: POLD1 (DNA polymerase delta 1, catalytic subunit; plus strand). Cytogenetic location: 19q13.33.
Variant type: single nucleotide variant.
Coding change: c.2903G>A on transcript NM_002691.4 (MANE Select); coding-DNA position 2903, G replaced by A.
Protein change: p.Arg968His; replaces arginine 968 with histidine.
Molecular consequence: missense variant. On other transcripts: non-coding transcript variant (1).
Genome position (GRCh38, 1-based): chr19:50,416,478, G>A. VCF-style: chr19-50416478-G-A. GRCh37 (hg19) VCF-style: chr19-50919735-G-A.
Other names: c.2903G>A, p.Arg968His (NM_001256849.1); c.2981G>A, p.Arg994His (NM_001308632.1); c.2903G>A (NM_002691.2); short protein forms R994H, R968H.
Identifiers: ClinVar variation 938179 (VCV000938179.10), dbSNP rs2039296308, ClinGen allele CA406986505.